The following is an entry in ClinVar:

ClinVar aggregate classification (germline): Pathogenic. Review status: criteria provided, multiple submitters, no conflicts (2 of 4 stars). 32 submissions from 31 submitters: Pathogenic (29). 3 of the submissions do not count toward it. Last evaluated 2026-04-07.

Conditions:
ATM-related disorder. Also called: ATM-related disorders; ATM-related condition.
Breast and/or ovarian cancer. Identifiers: MedGen CN221562.
Hereditary cancer-predisposing syndrome. Also called: Neoplastic Syndromes, Hereditary; Hereditary Cancer Syndrome; Tumor predisposition; Hereditary neoplastic syndrome. Identifiers: Orphanet 140162, MedGen C0027672, MeSH D009386, MONDO:0015356.
Colorectal cancer. Also called: Colorectal cancer, somatic; Malignant Colorectal Neoplasm. Identifiers: MedGen C0346629, MONDO:0005575, OMIM 114500.
Familial cancer of breast. Also called: BREAST CANCER, FAMILIAL; hereditary breast carcinoma; Hereditary breast cancer. Identifiers: Orphanet 227535, MedGen C0346153, MONDO:0016419, OMIM 114480. Disease mechanism: loss of function.
Ataxia-telangiectasia syndrome (AT). Also called: Ataxia-telangiectasia, complementation group D; AT, COMPLEMENTATION GROUP C; Ataxia-telangiectasia; ATAXIA-TELANGIECTASIA, COMPLEMENTATION GROUP A; ATAXIA-TELANGIECTASIA, FRESNO VARIANT; Ataxia-telangiectasia, complementation group E. Identifiers: Orphanet 100, MedGen C0004135, MONDO:0008840, OMIM 208900.
Tip-toe gait. Also called: Toe walking. Identifiers: MedGen C0427144, HP:0030051.

Allele frequency attached by ClinVar (database versions not stated): ExAC 0.00002; gnomAD 0.00001; gnomAD exomes 0.00001.
gnomAD v4.1: 17 of 1,613,150 alleles (0.0011%); highest among the groups gnomAD compares: Non-Finnish European, 0.0014%; no homozygotes.

Submissions 1 to 10 of 32:

Institute of Human Genetics, University of Leipzig Medical Center
Classification: Pathogenic for Familial cancer of breast. Last evaluated: 2026-04-07. Review status: criteria provided, single submitter. Criteria: ACMG Guidelines, 2015. Collection method: clinical testing. Allele origin: unknown. Inheritance: Autosomal dominant inheritance. Affected: yes.
Comment: Criteria applied: PVS1,PM3_STR

St. Jude Molecular Pathology, St. Jude Children's Research Hospital
Classification: Pathogenic for Ataxia-telangiectasia syndrome. Last evaluated: 2026-02-11. Review status: criteria provided, single submitter. Criteria: St. Jude Assertion Criteria 2020. Collection method: clinical testing. Allele origin: germline.
Comment: The ATM c.7630-2A>C intronic change results in an A to C substitution at the -2 position of intron 51 of the ATM gene. Algorithms that predict the impact of sequence changes on splicing indicate that this change may impact splicing. RNA studies have shown that this variant causes abnormal splicing by activating a cryptic splice site in exon 52 (PMID: 9887333, 35716007). This variant has a maximum subpopulation frequency of 0.002% in gnomAD v2.1.1. This variant has been reported in the homozygous and compound heterozygous state in individuals with ataxia telangiectasia (PMID: 9887333, 21833744, 25374739, 25614872, 30338439), and in the heterozygous state in individuals with breast cancer (PMID: 35264596). In summary, this variant meets criteria to be classified as pathogenic.

Labcorp Genetics (formerly Invitae), Labcorp
Classification: Pathogenic for Ataxia-telangiectasia syndrome. Last evaluated: 2026-01-18. Review status: criteria provided, single submitter. Criteria: Invitae Variant Classification Sherloc (09022015). Collection method: clinical testing. Allele origin: germline.
Comment: This sequence change affects an acceptor splice site in intron 51 of the ATM gene. RNA analysis indicates that disruption of this splice site induces altered splicing and may result in an absent or altered protein product. This variant is present in population databases (rs587779866, gnomAD 0.003%). Disruption of this splice site has been observed in individual(s) with breast cancer and ataxia-telangiectasia (AT) (PMID: 9443866, 9887333, 21833744, 25374739, 26681312). In at least one individual the data is consistent with being in trans (on the opposite chromosome) from a pathogenic variant. This variant is also known as IVS51-2A>C and IVS53-2A>C. ClinVar contains an entry for this variant (Variation ID: 127447). Studies have shown that disruption of this splice site results in skipping of exon 52 and activation of a cryptic splice site, and produces a non-functional protein and/or introduces a premature termination codon (PMID: 9887333; internal data). For these reasons, this variant has been classified as Pathogenic.

Clinical Genetics Laboratory, Skane University Hospital Lund
Classification: Pathogenic for Familial cancer of breast. Last evaluated: 2025-12-17. Review status: criteria provided, single submitter. Criteria: ACMG Guidelines, 2015. Collection method: clinical testing. Allele origin: germline. Affected: yes.
Comment: ACMG criteria used: PVS1, PS1_Supporting, PM5_Supporting

Clinical Genetics Laboratory, University Hospital Schleswig-Holstein
Classification: Pathogenic for Familial cancer of breast. Last evaluated: 2025-11-17. Review status: criteria provided, single submitter. Criteria: ACMG Guidelines, 2015. Collection method: clinical testing. Allele origin: germline. Observed: 2 heterozygotes.
Comment: ACMG criteria applied: PM2, PS4, PVS1_Strong, PS1_Supporting, PS3_Supporting

Dasa
Classification: Pathogenic. Last evaluated: 2025-11-14. Review status: criteria provided, single submitter. Criteria: DASA Assertion Criteria. Collection method: clinical testing. Allele origin: germline.
Comment: NM_000051.4(ATM):c.7630-2A>C affects a canonical splice site and is predicted to disrupt normal RNA splicing, leading to loss of normal protein function. Loss-of-function is an established mechanism of disease for this gene. This variant has been recurrently observed in individuals with related phenotype (PMID: 9887333; PMID: 9443866; PMID: 10330348; PMID: 21833744; PMID: 25374739). Based on the available data, this variant is classified as pathogenic.

PreventionGenetics, part of Exact Sciences
Classification: Pathogenic for ATM-related condition. Last evaluated: 2025-11-03. Review status: criteria provided, single submitter. Criteria: ACMG Guidelines, 2015. Collection method: clinical testing. Allele origin: germline.
Comment: The ATM c.7630-2A>C variant is predicted to disrupt the AG splice acceptor site and interfere with normal splicing. This variant has been reported with a second ATM variant in many unrelated individuals with ataxia telangiectasia (Sandoval et al. 1999. PubMed ID: 9887333; Mitui et al. 2005. PubMed ID: 16266405; Suspitsin E et al 2019. PubMed ID: 30772474). RT-PCR studies indicate this variant disrupts normal splicing and results in two alternatively spliced products with either skipping of exon 54 or skipping of the first 11 nucleotides of exon 54 (Sandoval et al. 1999. PubMed ID: 9887333). This variant has also been reported in the heterozygous state in individuals with breast cancer (Goidescu et al. 2018. PubMed ID: 29785153; Nurmi et al 2022. PubMed ID: 36551643; Supp. Table S2 Guindalini et al. 2022. PubMed ID: 35264596), pancreatic cancer (Dudley et al 2018. PubMed ID: 29360161; Brand et al 2018. PubMed ID: 30067863), and prostate cancer (Wokołorczyk. 2020. PubMed ID: 32875559). This variant is reported in 0.0023% of alleles in individuals of European (non-Finnish) descent in gnomAD and is interpreted as pathogenic in ClinVar (Variation ID: 127447). Variants that disrupt the consensus splice acceptor site in ATM are expected to be pathogenic. This variant is interpreted as pathogenic.

Natera, Inc.
Classification: Pathogenic for Ataxia-telangiectasia. Last evaluated: 2025-09-25. Review status: criteria provided, single submitter. Criteria: Natera Variant Classification Schema (03/2026). Collection method: clinical testing. Allele origin: germline.
Comment: The c.7630-2A>C variant in ATM is a canonical splice acceptor site variant predicted to affect pre-mRNA splicing, which may result in an abnormal transcript and altered protein product. This variant is expected to result in nonsense mediated decay, truncation, or a dysfunctional protein product. This variant is rare in the general population with a frequency below the threshold expected for the associated phenotype(s). This variant has been observed in one or more individuals affected with the associated recessive disease, as either homozygous or compound heterozygous with a second variant (PMID: 9887333, 10330348). Functional studies show that this variant may disrupt protein function (PMID: 9887333). Given the available evidence, this variant is classified as Pathogenic.

Ambry Genetics
Classification: Pathogenic for Hereditary cancer-predisposing syndrome. Last evaluated: 2025-08-26. Review status: criteria provided, single submitter. Criteria: Ambry Variant Classification Scheme 2023. Collection method: clinical testing. Allele origin: germline.
Comment: The c.7630-2A>C intronic pathogenic mutation results from an A to C substitution two nucleotides upstream from coding exon 51 in the ATM gene. This variant has been identified in conjunction with other ATM variant(s) in individuals(s) with features consistent with ataxia telangiectasia and has been shown to result in aberrant splicing and decreased ATM protein levels (Sandoval N et al. Hum. Mol. Genet. 1999 Jan;8:69-79; Teraoka S et al. Am J Hum Genet. 1999 Jun;64(6):1617-31; Coutinho G et al. Am. J. Med. Genet. A. 2004 Apr;126A:33-40; Soukupova J et al. Neuromolecular Med. 2011 Sep;13:204-11; Nespoli L et al. Case Reports Immunol, 2013 Oct;2013:296827; Podralska MJ et al. Mol Genet Genomic Med. 2014 Nov;2:504-11;). This nucleotide position is highly conserved in available vertebrate species. In silico splice site analysis predicts that this alteration will weaken the native splice acceptor site and will result in the creation or strengthening of a novel splice acceptor site. RNA studies have demonstrated that this alteration results in abnormal splicing in the set of samples tested (Ambry internal data). Of note, this alteration is also designated IVS53-2A>C in published literature. Based on the supporting evidence, this alteration is interpreted as a disease-causing mutation.

CeGaT Center for Human Genetics Tuebingen
Classification: Pathogenic. Last evaluated: 2025-07-01. Review status: criteria provided, single submitter. Criteria: CeGaT Center For Human Genetics Tuebingen Variant Classification Criteria Version 2. Collection method: clinical testing. Allele origin: germline. Affected: yes. Observed: 10 variant alleles.
Comment: ATM: PS4, PVS1:Strong, PM2

NM_000051.4(ATM):c.7630-2A>C

Genes: ATM (ATM serine/threonine kinase; plus strand), C11orf65 (chromosome 11 open reading frame 65; minus strand). Cytogenetic location: 11q22.3.
Variant type: single nucleotide variant.
Coding change: c.7630-2A>C on transcript NM_000051.4 (MANE Select); the canonical splice acceptor site of the intron before coding-DNA position 7630, A replaced by C.
Molecular consequence: splice acceptor variant. On other transcripts: intron variant (2).
Genome position (GRCh38, 1-based): chr11:108,331,877, A>C. VCF-style: chr11-108331877-A-C. GRCh37 (hg19) VCF-style: chr11-108202604-A-C.
Other names: IVS51-2A>C; c.7630-2A>C (NM_001351834.2); c.641-22806T>G (NM_001330368.2); c.*38+3343T>G (NM_001351110.2).
Identifiers: ClinVar variation 127447 (VCV000127447.102), dbSNP rs587779866, ClinGen allele CA286993.